The following is an entry in ClinVar:

ClinVar aggregate classification (germline): Uncertain significance (1 of 4 stars; one submission).

Allele frequency attached by ClinVar (database versions not stated): gnomAD exomes below 0.00001; gnomAD 0.00001; ExAC 0.00002; TOPMed 0.00002; ESP Exome Variant Server 0.00008.
gnomAD v4.1: 6 of 1,613,140 alleles (0.00037%); highest among the groups gnomAD compares: Non-Finnish European, 0.00034%; no homozygotes.

Submission:

Labcorp Genetics (formerly Invitae), Labcorp
Classification: Uncertain significance. Last evaluated: 2024-08-03. Review status: criteria provided, single submitter. Criteria: Invitae Variant Classification Sherloc (09022015). Collection method: clinical testing. Allele origin: germline.
Comment: This sequence change replaces proline, which is neutral and non-polar, with serine, which is neutral and polar, at codon 687 of the MICAL1 protein (p.Pro687Ser). This variant is present in population databases (rs144816738, gnomAD 0.003%). This variant has not been reported in the literature in individuals affected with MICAL1-related conditions. An algorithm developed to predict the effect of missense changes on protein structure and function (PolyPhen-2) suggests that this variant is likely to be tolerated. In summary, the available evidence is currently insufficient to determine the role of this variant in disease. Therefore, it has been classified as a Variant of Uncertain Significance.

NM_022765.4(MICAL1):c.2002C>T (p.Pro668Ser)

Gene: MICAL1 (microtubule associated monooxygenase, calponin and LIM domain containing 1; minus strand). Cytogenetic location: 6q21.
Variant type: single nucleotide variant.
Coding change: c.2002C>T on transcript NM_022765.4 (MANE Select); coding-DNA position 2002, C replaced by T.
Protein change: p.Pro668Ser; replaces proline 668 with serine.
Molecular consequence: missense variant.
Genome position (GRCh38, 1-based): chr6:109,447,425, G>A on the plus strand (C>T on the coding strand, the complement: MICAL1 is on the minus strand). VCF-style: chr6-109447425-G-A. GRCh37 (hg19) VCF-style: chr6-109768628-G-A.
Other names: c.1744C>T, p.Pro582Ser (NM_001159291.2); c.2059C>T, p.Pro687Ser (NM_001286613.2); short protein forms P582S, P687S, P668S.
Identifiers: ClinVar variation 3002923 (VCV003002923.3), dbSNP rs144816738, ClinGen allele CA3953112.